The following is an entry in ClinVar:

ClinVar aggregate classification (germline): Uncertain significance (1 of 4 stars; one submission).

Allele frequency attached by ClinVar (database versions not stated): gnomAD 0.00001.

Submission:

Labcorp Genetics (formerly Invitae), Labcorp
Classification: Uncertain significance. Last evaluated: 2022-07-14. Review status: criteria provided, single submitter. Criteria: Invitae Variant Classification Sherloc (09022015). Collection method: clinical testing. Allele origin: germline.
Comment: In summary, the available evidence is currently insufficient to determine the role of this variant in disease. Therefore, it has been classified as a Variant of Uncertain Significance. Algorithms developed to predict the effect of missense changes on protein structure and function (SIFT, PolyPhen-2, Align-GVGD) all suggest that this variant is likely to be disruptive. This variant has not been reported in the literature in individuals affected with TBX18-related conditions. This variant is not present in population databases (gnomAD no frequency). This sequence change replaces arginine, which is basic and polar, with histidine, which is basic and polar, at codon 167 of the TBX18 protein (p.Arg167His).

NM_001080508.3(TBX18):c.500G>A (p.Arg167His)

Gene: TBX18 (T-box transcription factor 18; minus strand). Cytogenetic location: 6q14.3.
Variant type: single nucleotide variant.
Coding change: c.500G>A on transcript NM_001080508.3 (MANE Select); coding-DNA position 500, G replaced by A.
Protein change: p.Arg167His; replaces arginine 167 with histidine.
Molecular consequence: missense variant.
Genome position (GRCh38, 1-based): chr6:84,760,354, C>T on the plus strand (G>A on the coding strand, the complement: TBX18 is on the minus strand). VCF-style: chr6-84760354-C-T. GRCh37 (hg19) VCF-style: chr6-85470072-C-T.
Other names: short protein forms R167H.
Identifiers: ClinVar variation 2086753 (VCV002086753.4), dbSNP rs756453864, ClinGen allele CA364890885.
Genomic context (GRCh38, chr6:84,760,354, plus strand): 5'-ATGTAATATTGCTGGTGAGGATCTAATCCAGAGATCTTCACTCTCATTGCTGGAAACATG[C>T]GCCTATTTAAAAAGGCGAAGAGAAAGAGGGTTTGGGGTTTTTGTTTGTGACTAAGGATGG-3'
Protein context (NP_001073977.1, residues 157-177): TEMIITKAGR[Arg167His]MFPAMRVKIS